The following is an entry in ClinVar:

NM_032043.3(BRIP1):c.2094C>T (p.Tyr698=)

Gene: BRIP1 (BRCA1 interacting DNA helicase 1; minus strand). Cytogenetic location: 17q23.2.
Variant type: single nucleotide variant.
Coding change: c.2094C>T on transcript NM_032043.3 (MANE Select); coding-DNA position 2094, C replaced by T.
Protein change: p.Tyr698=; no amino-acid change (tyrosine 698 retained).
Molecular consequence: synonymous variant.
Genome position (GRCh38, 1-based): chr17:61,776,404, G>A on the plus strand (C>T on the coding strand, the complement: BRIP1 is on the minus strand). VCF-style: chr17-61776404-G-A. GRCh37 (hg19) VCF-style: chr17-59853765-G-A.
Identifiers: ClinVar variation 796548 (VCV000796548.12), dbSNP rs1603328406, ClinGen allele CA501150120.

ClinVar aggregate classification (germline): Benign/Likely benign. Review status: criteria provided, multiple submitters, no conflicts (2 of 4 stars). 2 submissions from 2 submitters: Benign (1); Likely benign (1). Last evaluated 2024-09-03.

Conditions:
Familial cancer of breast. Also called: BREAST CANCER, FAMILIAL; Hereditary breast cancer; hereditary breast carcinoma. Identifiers: Orphanet 227535, MedGen C0346153, MONDO:0016419, OMIM 114480. Disease mechanism: loss of function.
Fanconi anemia complementation group J. Also called: BRIP1-Related Fanconi Anemia. Identifiers: Orphanet 84, MedGen C1836860, MONDO:0012187, OMIM 609054.

Submissions (2):

Myriad Genetics, Inc.
Classification: Benign for Familial cancer of breast. Last evaluated: 2024-09-03. Review status: criteria provided, single submitter. Criteria: Myriad Autosomal Dominant, Autosomal Recessive and X-Linked Classification Criteria (2023). Collection method: clinical testing. Allele origin: unknown.
Comment: This variant is considered benign. This variant is a silent/synonymous amino acid change and it is not expected to impact splicing.

Labcorp Genetics (formerly Invitae), Labcorp
Classification: Likely benign for Familial cancer of breast; Fanconi anemia complementation group J. Last evaluated: 2019-01-14. Review status: criteria provided, single submitter. Criteria: Invitae Variant Classification Sherloc (09022015). Collection method: clinical testing. Allele origin: germline.